The following is an entry in ClinVar:

NM_198525.3(KIF7):c.3866C>T (p.Ser1289Phe)

Gene: KIF7 (kinesin family member 7; minus strand). Cytogenetic location: 15q26.1.
Variant type: single nucleotide variant.
Coding change: c.3866C>T on transcript NM_198525.3 (MANE Select); coding-DNA position 3866, C replaced by T.
Protein change: p.Ser1289Phe; replaces serine 1289 with phenylalanine.
Molecular consequence: missense variant.
Genome position (GRCh38, 1-based): chr15:89,628,585, G>A on the plus strand (C>T on the coding strand, the complement: KIF7 is on the minus strand). VCF-style: chr15-89628585-G-A. GRCh37 (hg19) VCF-style: chr15-90171816-G-A.
Other names: short protein forms S1289F.
Identifiers: ClinVar variation 1514790 (VCV001514790.6), dbSNP rs750002097, ClinGen allele CA7727500.

ClinVar aggregate classification (germline): Uncertain significance (1 of 4 stars; one submission).

Conditions:
Acrocallosal syndrome (ACLS). Also called: HALLUX DUPLICATION, POSTAXIAL POLYDACTYLY, AND ABSENCE OF CORPUS CALLOSUM; Schinzel syndrome 1; Absence of corpus callosum with unusual facial appearance, mental deficiency, duplication of the halluces and polydactyly. Identifiers: Orphanet 36, MedGen C0796147, MONDO:0008708, OMIM 200990.

gnomAD v4.1: 4 of 1,613,510 alleles (0.00025%); highest among the groups gnomAD compares: Admixed American, 0.005%; no homozygotes.

Submission:

Labcorp Genetics (formerly Invitae), Labcorp
Classification: Uncertain significance for Acrocallosal syndrome. Last evaluated: 2022-10-28. Review status: criteria provided, single submitter. Criteria: Invitae Variant Classification Sherloc (09022015). Collection method: clinical testing. Allele origin: germline.
Comment: In summary, the available evidence is currently insufficient to determine the role of this variant in disease. Therefore, it has been classified as a Variant of Uncertain Significance. Advanced modeling of protein sequence and biophysical properties (such as structural, functional, and spatial information, amino acid conservation, physicochemical variation, residue mobility, and thermodynamic stability) performed at Invitae indicates that this missense variant is not expected to disrupt KIF7 protein function. ClinVar contains an entry for this variant (Variation ID: 1514790). This variant has not been reported in the literature in individuals affected with KIF7-related conditions. This variant is present in population databases (rs750002097, gnomAD 0.006%). This sequence change replaces serine, which is neutral and polar, with phenylalanine, which is neutral and non-polar, at codon 1289 of the KIF7 protein (p.Ser1289Phe).